The following is an entry in ClinVar:

NM_006941.4(SOX10):c.352G>C (p.Ala118Pro)

Genes: POLR2F (RNA polymerase II, I and III subunit F; plus strand), SOX10 (SRY-box transcription factor 10; minus strand). Cytogenetic location: 22q13.1.
Variant type: single nucleotide variant.
Coding change: c.352G>C on transcript NM_006941.4 (MANE Select); coding-DNA position 352, G replaced by C.
Protein change: p.Ala118Pro; replaces alanine 118 with proline.
Molecular consequence: missense variant. On other transcripts: intron variant (3).
Genome position (GRCh38, 1-based): chr22:37,983,433, C>G on the plus strand (G>C on the coding strand, the complement: SOX10 is on the minus strand). VCF-style: chr22-37983433-C-G. GRCh37 (hg19) VCF-style: chr22-38379440-C-G.
Other names: c.*38+11123C>G (NM_001363825.1); c.294-2721C>G (NM_001301130.2); c.293+16263C>G (NM_001301131.2); short protein forms A118P.
Identifiers: ClinVar variation 3601822 (VCV003601822.1).
Genomic context (GRCh38, chr22:37,983,433, plus strand): 5'-GCGTCTTGCTGAGCTCAGCGTTGTGCAGGTGCGGGTACTGGTCCGCGAGCTTCCTGCGCG[C>G]TGCCTGAGCCCACACCATGAAGGCGTTCATGGGCCGCTTGACGTGCGGCTTGCTTTTGCT-3'
Protein context (NP_008872.1, residues 108-128): MNAFMVWAQA[Ala118Pro]RRKLADQYPH

ClinVar aggregate classification (germline): Likely pathogenic (1 of 4 stars; one submission).

Conditions:
Waardenburg syndrome type 4C (WS4C). Also called: WAARDENBURG SYNDROME WITH HIRSCHSPRUNG DISEASE, TYPE 4C. Identifiers: Orphanet 897, MedGen C2750452, MONDO:0013202, OMIM 613266.

Submission:

Institute of Rare Diseases, West China Hospital, Sichuan University
Classification: Likely pathogenic for Waardenburg syndrome type 4C. Last evaluated: 2025-01-09. Review status: criteria provided, single submitter. Criteria: ClinGen HL ACMG Specifications v1. Collection method: research. Allele origin: germline. Affected: yes.
Comment: PM1;PS2;PM2_Supporting;PP3